The following is an entry in ClinVar:

ClinVar aggregate classification (germline): Conflicting classifications of pathogenicity. Review status: criteria provided, conflicting classifications (1 of 4 stars). 2 submissions from 2 submitters: Uncertain significance (1); Likely benign (1). Last evaluated 2025-05-02.

Conditions:
Retinal dystrophy. Also called: Inherited retinal dystrophy. Identifiers: Orphanet 71862, MedGen C0854723, MeSH D058499, MONDO:0019118, HP:0000556.

Allele frequency attached by ClinVar (database versions not stated): gnomAD 0.00005 and 0.00008; ExAC 0.00006; TOPMed 0.00006; ESP Exome Variant Server 0.00008; gnomAD exomes 0.00010; 1000 Genomes Project 30x 0.00078; 1000 Genomes Project 0.00100.
gnomAD v4.1: 49 of 1,613,500 alleles (0.003%); highest among the groups gnomAD compares: East Asian, 0.054%; 1 homozygote.

Submissions (2):

Labcorp Genetics (formerly Invitae), Labcorp
Classification: Uncertain significance. Last evaluated: 2025-05-02. Review status: criteria provided, single submitter. Criteria: Invitae Variant Classification Sherloc (09022015). Collection method: clinical testing. Allele origin: germline.
Comment: This sequence change replaces aspartic acid, which is acidic and polar, with asparagine, which is neutral and polar, at codon 287 of the ADGRA3 protein (p.Asp287Asn). This variant is present in population databases (rs138542858, gnomAD 0.1%), and has an allele count higher than expected for a pathogenic variant. This variant has not been reported in the literature in individuals affected with ADGRA3-related conditions. ClinVar contains an entry for this variant (Variation ID: 1471607). An algorithm developed to predict the effect of missense changes on protein structure and function outputs the following: PolyPhen-2: "Benign". The asparagine amino acid residue is found in multiple mammalian species, which suggests that this missense change does not adversely affect protein function. In summary, the available evidence is currently insufficient to determine the role of this variant in disease. Therefore, it has been classified as a Variant of Uncertain Significance.

Dept Of Ophthalmology, Nagoya University
Classification: Likely benign for Retinal dystrophy. Last evaluated: 2023-10-01. Review status: criteria provided, single submitter. Criteria: Submitter's publication. Collection method: research. Allele origin: germline. Affected: yes.

NM_145290.4(ADGRA3):c.859G>A (p.Asp287Asn)

Gene: ADGRA3 (adhesion G protein-coupled receptor A3; minus strand). Cytogenetic location: 4p15.2.
Variant type: single nucleotide variant.
Coding change: c.859G>A on transcript NM_145290.4 (MANE Select); coding-DNA position 859, G replaced by A.
Protein change: p.Asp287Asn; replaces aspartic acid 287 with asparagine.
Molecular consequence: missense variant.
Genome position (GRCh38, 1-based): chr4:22,442,711, C>T on the plus strand (G>A on the coding strand, the complement: ADGRA3 is on the minus strand). VCF-style: chr4-22442711-C-T. GRCh37 (hg19) VCF-style: chr4-22444334-C-T.
Other names: short protein forms D287N.
Identifiers: ClinVar variation 1471607 (VCV001471607.9), dbSNP rs138542858, ClinGen allele CA2874122.